The following is an entry in ClinVar:

ClinVar aggregate classification (germline): Uncertain significance (1 of 4 stars; one submission).

Conditions:
Hereditary spastic paraplegia 54. Also called: Spastic paraplegia 54, autosomal recessive. Identifiers: Orphanet 320380, MedGen C3539495, MONDO:0014018, OMIM 615033.

Allele frequency attached by ClinVar (database versions not stated): gnomAD exomes 0.00001; TOPMed 0.00002; ExAC 0.00003.
gnomAD v4.1: 13 of 1,613,778 alleles (0.00081%); highest among the groups gnomAD compares: Admixed American, 0.015%; no homozygotes.

Submission:

Labcorp Genetics (formerly Invitae), Labcorp
Classification: Uncertain significance for Hereditary spastic paraplegia 54. Last evaluated: 2025-01-29. Review status: criteria provided, single submitter. Criteria: Invitae Variant Classification Sherloc (09022015). Collection method: clinical testing. Allele origin: germline.
Comment: This sequence change replaces tyrosine, which is neutral and polar, with cysteine, which is neutral and slightly polar, at codon 699 of the DDHD2 protein (p.Tyr699Cys). This variant is present in population databases (rs766848567, gnomAD 0.03%). This missense change has been observed in individual(s) with hereditary spastic paraplegia (PMID: 31302745). ClinVar contains an entry for this variant (Variation ID: 2053850). Invitae Evidence Modeling of protein sequence and biophysical properties (such as structural, functional, and spatial information, amino acid conservation, physicochemical variation, residue mobility, and thermodynamic stability) indicates that this missense variant is expected to disrupt DDHD2 protein function with a positive predictive value of 80%. In summary, the available evidence is currently insufficient to determine the role of this variant in disease. Therefore, it has been classified as a Variant of Uncertain Significance.

Literature cited by the submitters: PubMed 31302745.

NM_015214.3(DDHD2):c.2096A>G (p.Tyr699Cys)

Gene: DDHD2 (DDHD domain containing 2; plus strand). Cytogenetic location: 8p11.23.
Variant type: single nucleotide variant.
Coding change: c.2096A>G on transcript NM_015214.3 (MANE Select); coding-DNA position 2096, A replaced by G.
Protein change: p.Tyr699Cys; replaces tyrosine 699 with cysteine.
Molecular consequence: missense variant. On other transcripts: non-coding transcript variant (2).
Genome position (GRCh38, 1-based): chr8:38,260,081, A>G. VCF-style: chr8-38260081-A-G. GRCh37 (hg19) VCF-style: chr8-38117599-A-G.
Other names: c.2096A>G, p.Tyr699Cys (NM_001164232.2, NM_001362911.2, NM_001362912.2 and 1 more transcripts); c.2006A>G, p.Tyr669Cys (NM_001362913.2); short protein forms Y669C, Y699C.
Identifiers: ClinVar variation 2053850 (VCV002053850.4), dbSNP rs766848567, ClinGen allele CA4716453.